The following is an entry in ClinVar:

NM_130839.5(UBE3A):c.419G>A (p.Arg140Lys)

Genes: SNHG14 (small nucleolar RNA host gene 14; plus strand), UBE3A (ubiquitin protein ligase E3A; minus strand). Cytogenetic location: 15q11.2.
Variant type: single nucleotide variant.
Coding change: c.419G>A on transcript NM_130839.5 (MANE Select); coding-DNA position 419, G replaced by A.
Protein change: p.Arg140Lys; replaces arginine 140 with lysine.
Molecular consequence: missense variant. On other transcripts: non-coding transcript variant (1), intron variant (2).
Genome position (GRCh38, 1-based): chr15:25,371,755, C>T on the plus strand (G>A on the coding strand, the complement: UBE3A is on the minus strand). VCF-style: chr15-25371755-C-T. GRCh37 (hg19) VCF-style: chr15-25616902-C-T.
Other names: c.359G>A, p.Arg120Lys (NM_001354540.2, NM_001354541.2, NM_001354542.2 and 17 more transcripts); c.419G>A, p.Arg140Lys (NM_001354545.2, NM_001354538.2, NM_001354505.1); c.242G>A, p.Arg81Lys (NM_001354546.2); c.301+3710G>A (NM_001354551.2); c.361+3710G>A (NM_001354550.2); c.428G>A, p.Arg143Lys (NM_000462.5); short protein forms R120K, R140K, R143K, R81K.
Identifiers: ClinVar variation 1708936 (VCV001708936.2), dbSNP rs2080317793, ClinGen allele CA391355900.

ClinVar aggregate classification (germline): Uncertain significance (1 of 4 stars; one submission).

Submission:

GeneDx
Classification: Uncertain significance. Last evaluated: 2021-07-05. Review status: criteria provided, single submitter. Criteria: GeneDx Variant Classification Process June 2021. Collection method: clinical testing. Allele origin: germline. Affected: yes.
Comment: Not observed at significant frequency in large population cohorts (gnomAD); In silico analysis supports that this missense variant does not alter protein structure/function; Has not been previously published as pathogenic or benign to our knowledge; This variant is associated with the following publications: (PMID: 27535533)